The following is an entry in ClinVar:

ClinVar aggregate classification (germline): Likely benign (1 of 4 stars; one submission).

Submissions (32):

CeGaT Center for Human Genetics Tuebingen
Classification: Likely benign. Last evaluated: 2024-10-01. Review status: criteria provided, single submitter. Criteria: CeGaT Center For Human Genetics Tuebingen Variant Classification Criteria Version 2. Collection method: clinical testing. Allele origin: germline. Affected: yes. Observed: 1 variant allele.
Comment: GTF2F1: BS2

Dr. Peter K. Rogan Lab, Western University
No classification provided (evidence only). Condition: Malignant tumor of urinary bladder. Review status: no classification provided. Collection method: in vitro. Allele origin: not applicable. Functional consequence: retained intron. Not counted in ClinVar's aggregate classification.

Dr. Peter K. Rogan Lab, Western University
No classification provided (evidence only). Condition: Malignant tumor of urinary bladder. Review status: no classification provided. Collection method: in vitro. Allele origin: not applicable. Functional consequence: retained intron. Not counted in ClinVar's aggregate classification.

Dr. Peter K. Rogan Lab, Western University
No classification provided (evidence only). Condition: Clear cell carcinoma of kidney. Review status: no classification provided. Collection method: in vitro. Allele origin: not applicable. Functional consequence: skipped exon, retained intron. Not counted in ClinVar's aggregate classification.

Dr. Peter K. Rogan Lab, Western University
No classification provided (evidence only). Condition: Clear cell carcinoma of kidney. Review status: no classification provided. Collection method: in vitro. Allele origin: not applicable. Functional consequence: retained intron. Not counted in ClinVar's aggregate classification.

Dr. Peter K. Rogan Lab, Western University
No classification provided (evidence only). Condition: Clear cell carcinoma of kidney. Review status: no classification provided. Collection method: in vitro. Allele origin: not applicable. Functional consequence: retained intron. Not counted in ClinVar's aggregate classification.

Dr. Peter K. Rogan Lab, Western University
No classification provided (evidence only). Condition: Clear cell carcinoma of kidney. Review status: no classification provided. Collection method: in vitro. Allele origin: not applicable. Functional consequence: retained intron. Not counted in ClinVar's aggregate classification.

Dr. Peter K. Rogan Lab, Western University
No classification provided (evidence only). Condition: Lung cancer. Review status: no classification provided. Collection method: in vitro. Allele origin: not applicable. Functional consequence: retained intron. Not counted in ClinVar's aggregate classification.

Dr. Peter K. Rogan Lab, Western University
No classification provided (evidence only). Condition: Lung cancer. Review status: no classification provided. Collection method: in vitro. Allele origin: not applicable. Functional consequence: retained intron. Not counted in ClinVar's aggregate classification.

Dr. Peter K. Rogan Lab, Western University
No classification provided (evidence only). Condition: Lung cancer. Review status: no classification provided. Collection method: in vitro. Allele origin: not applicable. Functional consequence: retained intron. Not counted in ClinVar's aggregate classification.

Dr. Peter K. Rogan Lab, Western University
No classification provided (evidence only). Condition: Lung cancer. Review status: no classification provided. Collection method: in vitro. Allele origin: not applicable. Functional consequence: retained intron. Not counted in ClinVar's aggregate classification.

Dr. Peter K. Rogan Lab, Western University
No classification provided (evidence only). Condition: Lung cancer. Review status: no classification provided. Collection method: in vitro. Allele origin: not applicable. Functional consequence: retained intron. Not counted in ClinVar's aggregate classification.

Dr. Peter K. Rogan Lab, Western University
No classification provided (evidence only). Condition: Melanoma. Review status: no classification provided. Collection method: in vitro. Allele origin: not applicable. Functional consequence: retained intron. Not counted in ClinVar's aggregate classification.

Dr. Peter K. Rogan Lab, Western University
No classification provided (evidence only). Condition: Melanoma. Review status: no classification provided. Collection method: in vitro. Allele origin: not applicable. Functional consequence: retained intron. Not counted in ClinVar's aggregate classification.

Dr. Peter K. Rogan Lab, Western University
No classification provided (evidence only). Condition: Familial cancer of breast. Review status: no classification provided. Collection method: in vitro. Allele origin: not applicable. Functional consequence: retained intron. Not counted in ClinVar's aggregate classification.

Dr. Peter K. Rogan Lab, Western University
No classification provided (evidence only). Condition: Familial cancer of breast. Review status: no classification provided. Collection method: in vitro. Allele origin: not applicable. Functional consequence: skipped exon, retained intron. Not counted in ClinVar's aggregate classification.

Dr. Peter K. Rogan Lab, Western University
No classification provided (evidence only). Condition: Familial cancer of breast. Review status: no classification provided. Collection method: in vitro. Allele origin: not applicable. Functional consequence: skipped exon, retained intron. Not counted in ClinVar's aggregate classification.

Dr. Peter K. Rogan Lab, Western University
No classification provided (evidence only). Condition: Familial cancer of breast. Review status: no classification provided. Collection method: in vitro. Allele origin: not applicable. Functional consequence: retained intron. Not counted in ClinVar's aggregate classification.

Dr. Peter K. Rogan Lab, Western University
No classification provided (evidence only). Condition: Acute myeloid leukemia. Review status: no classification provided. Collection method: in vitro. Allele origin: not applicable. Functional consequence: retained intron. Not counted in ClinVar's aggregate classification.

Dr. Peter K. Rogan Lab, Western University
No classification provided (evidence only). Condition: Colon adenocarcinoma. Review status: no classification provided. Collection method: in vitro. Allele origin: not applicable. Functional consequence: retained intron. Not counted in ClinVar's aggregate classification.

Dr. Peter K. Rogan Lab, Western University
No classification provided (evidence only). Condition: Colon adenocarcinoma. Review status: no classification provided. Collection method: in vitro. Allele origin: not applicable. Functional consequence: retained intron. Not counted in ClinVar's aggregate classification.

Dr. Peter K. Rogan Lab, Western University
No classification provided (evidence only). Condition: Colon adenocarcinoma. Review status: no classification provided. Collection method: in vitro. Allele origin: not applicable. Functional consequence: retained intron. Not counted in ClinVar's aggregate classification.

Dr. Peter K. Rogan Lab, Western University
No classification provided (evidence only). Condition: Uterine corpus endometrial carcinoma. Review status: no classification provided. Collection method: in vitro. Allele origin: not applicable. Functional consequence: skipped exon, retained intron. Not counted in ClinVar's aggregate classification.

Dr. Peter K. Rogan Lab, Western University
No classification provided (evidence only). Condition: Uterine corpus endometrial carcinoma. Review status: no classification provided. Collection method: in vitro. Allele origin: not applicable. Functional consequence: retained intron. Not counted in ClinVar's aggregate classification.

Dr. Peter K. Rogan Lab, Western University
No classification provided (evidence only). Condition: Sarcoma. Review status: no classification provided. Collection method: in vitro. Allele origin: not applicable. Functional consequence: retained intron. Not counted in ClinVar's aggregate classification.

Dr. Peter K. Rogan Lab, Western University
No classification provided (evidence only). Condition: Sarcoma. Review status: no classification provided. Collection method: in vitro. Allele origin: not applicable. Functional consequence: retained intron. Not counted in ClinVar's aggregate classification.

Dr. Peter K. Rogan Lab, Western University
No classification provided (evidence only). Condition: Hepatocellular carcinoma. Review status: no classification provided. Collection method: in vitro. Allele origin: not applicable. Functional consequence: retained intron. Not counted in ClinVar's aggregate classification.

Dr. Peter K. Rogan Lab, Western University
No classification provided (evidence only). Condition: Cholangiocarcinoma. Review status: no classification provided. Collection method: in vitro. Allele origin: not applicable. Functional consequence: retained intron. Not counted in ClinVar's aggregate classification.

Dr. Peter K. Rogan Lab, Western University
No classification provided (evidence only). Condition: Gastric cancer. Review status: no classification provided. Collection method: in vitro. Allele origin: not applicable. Functional consequence: retained intron. Not counted in ClinVar's aggregate classification.

Dr. Peter K. Rogan Lab, Western University
No classification provided (evidence only). Condition: Uveal melanoma. Review status: no classification provided. Collection method: in vitro. Allele origin: not applicable. Functional consequence: retained intron. Not counted in ClinVar's aggregate classification.

Dr. Peter K. Rogan Lab, Western University
No classification provided (evidence only). Condition: Malignant tumor of esophagus. Review status: no classification provided. Collection method: in vitro. Allele origin: not applicable. Functional consequence: retained intron. Not counted in ClinVar's aggregate classification.

Dr. Peter K. Rogan Lab, Western University
No classification provided (evidence only). Condition: Malignant tumor of esophagus. Review status: no classification provided. Collection method: in vitro. Allele origin: not applicable. Functional consequence: retained intron. Not counted in ClinVar's aggregate classification.

NM_002096.3(GTF2F1):c.837-2A>G

Gene: GTF2F1 (general transcription factor IIF subunit 1; minus strand). Cytogenetic location: 19p13.3.
Variant type: single nucleotide variant.
Coding change: c.837-2A>G on transcript NM_002096.3 (MANE Select); the canonical splice acceptor site of the intron before coding-DNA position 837, A replaced by G.
Molecular consequence: splice acceptor variant.
Genome position (GRCh38, 1-based): chr19:6,381,617, T>C on the plus strand (A>G on the coding strand, the complement: GTF2F1 is on the minus strand). VCF-style: chr19-6381617-T-C. GRCh37 (hg19) VCF-style: chr19-6381628-T-C.
Other names: NC_000019.9:g.6381628T>C.
Identifiers: ClinVar variation 3388096 (VCV003388096.15).